The following is an entry in ClinVar:

ClinVar aggregate classification (germline): Uncertain significance (1 of 4 stars; one submission).

Conditions:
Gorlin syndrome. Also called: Nevoid Basal Cell Carcinoma Syndrome; Basal cell nevus syndrome. Identifiers: Orphanet 377, MedGen C0004779, MONDO:0007187.

Submission:

Labcorp Genetics (formerly Invitae), Labcorp
Classification: Uncertain significance for Gorlin syndrome. Last evaluated: 2024-01-02. Review status: criteria provided, single submitter. Criteria: Invitae Variant Classification Sherloc (09022015). Collection method: clinical testing. Allele origin: germline.
Comment: This sequence change replaces valine, which is neutral and non-polar, with leucine, which is neutral and non-polar, at codon 343 of the PTCH1 protein (p.Val343Leu). This variant is not present in population databases (gnomAD no frequency). This variant has not been reported in the literature in individuals affected with PTCH1-related conditions. ClinVar contains an entry for this variant (Variation ID: 1490508). Advanced modeling of protein sequence and biophysical properties (such as structural, functional, and spatial information, amino acid conservation, physicochemical variation, residue mobility, and thermodynamic stability) performed at Invitae indicates that this missense variant is not expected to disrupt PTCH1 protein function with a negative predictive value of 95%. In summary, the available evidence is currently insufficient to determine the role of this variant in disease. Therefore, it has been classified as a Variant of Uncertain Significance.

NM_000264.5(PTCH1):c.1027G>T (p.Val343Leu)

Gene: PTCH1 (patched 1; minus strand). Cytogenetic location: 9q22.32.
Variant type: single nucleotide variant.
Coding change: c.1027G>T on transcript NM_000264.5 (MANE Select); coding-DNA position 1027, G replaced by T.
Protein change: p.Val343Leu; replaces valine 343 with leucine.
Molecular consequence: missense variant. On other transcripts: non-coding transcript variant (1).
Genome position (GRCh38, 1-based): chr9:95,480,009, C>A on the plus strand (G>T on the coding strand, the complement: PTCH1 is on the minus strand). VCF-style: chr9-95480009-C-A. GRCh37 (hg19) VCF-style: chr9-98242291-C-A.
Other names: c.829G>T, p.Val277Leu (NM_001083602.3); c.1024G>T, p.Val342Leu (NM_001083603.3); c.574G>T, p.Val192Leu (NM_001083604.3, NM_001083605.3, NM_001083606.3 and 1 more transcripts); c.1027G>T, p.Val343Leu (NM_001354918.2); short protein forms V192L, V277L, V343L, V342L.
Identifiers: ClinVar variation 1490508 (VCV001490508.8), dbSNP rs1564054554, ClinGen allele CA374119636.